The following is an entry in ClinVar:

ClinVar aggregate classification (germline): Uncertain significance (1 of 4 stars; one submission).

Submission:

Labcorp Genetics (formerly Invitae), Labcorp
Classification: Uncertain significance. Last evaluated: 2022-03-17. Review status: criteria provided, single submitter. Criteria: Invitae Variant Classification Sherloc (09022015). Collection method: clinical testing. Allele origin: germline.
Comment: Algorithms developed to predict the effect of missense changes on protein structure and function (SIFT, PolyPhen-2, Align-GVGD) all suggest that this variant is likely to be disruptive. This sequence change replaces glycine, which is neutral and non-polar, with aspartic acid, which is acidic and polar, at codon 241 of the WHRN protein (p.Gly241Asp). This variant is not present in population databases (gnomAD no frequency). This variant has not been reported in the literature in individuals affected with WHRN-related conditions. In summary, the available evidence is currently insufficient to determine the role of this variant in disease. Therefore, it has been classified as a Variant of Uncertain Significance.

NM_015404.4(WHRN):c.722G>A (p.Gly241Asp)

Gene: WHRN (whirlin; minus strand). Cytogenetic location: 9q32.
Variant type: single nucleotide variant.
Coding change: c.722G>A on transcript NM_015404.4 (MANE Select); coding-DNA position 722, G replaced by A.
Protein change: p.Gly241Asp; replaces glycine 241 with aspartic acid.
Molecular consequence: missense variant. On other transcripts: 5 prime UTR variant (1).
Genome position (GRCh38, 1-based): chr9:114,478,668, C>T on the plus strand (G>A on the coding strand, the complement: WHRN is on the minus strand). VCF-style: chr9-114478668-C-T. GRCh37 (hg19) VCF-style: chr9-117240948-C-T.
Other names: c.-428G>A (NM_001083885.3); c.722G>A, p.Gly241Asp (NM_001173425.2); short protein forms G241D.
Identifiers: ClinVar variation 1486591 (VCV001486591.8), dbSNP rs2133132806, ClinGen allele CA374621941.